The following is an entry in ClinVar:

NM_014874.4(MFN2):c.970+19G>A

Gene: MFN2 (mitofusin 2; plus strand). Cytogenetic location: 1p36.22.
Variant type: single nucleotide variant.
Coding change: c.970+19G>A on transcript NM_014874.4 (MANE Select); 19 bases into the intron after coding-DNA position 970, G replaced by A.
Molecular consequence: intron variant.
Genome position (GRCh38, 1-based): chr1:12,001,573, G>A. VCF-style: chr1-12001573-G-A. GRCh37 (hg19) VCF-style: chr1-12061630-G-A.
Other names: c.970+19G>A (NM_001127660.2).
Identifiers: ClinVar variation 214633 (VCV000214633.12), dbSNP rs75865135, ClinGen allele CA324111.

ClinVar aggregate classification (germline): Benign. Review status: criteria provided, multiple submitters, no conflicts (2 of 4 stars). 4 submissions from 4 submitters: Benign (4). Last evaluated 2026-02-02.

Conditions:
Charcot-Marie-Tooth disease. Also called: Charcot-Marie-Tooth Neuropathy; Charcot-Marie-Tooth Hereditary Neuropathy. Identifiers: Orphanet 166, MedGen C0007959, MONDO:0015626.
Charcot-Marie-Tooth disease type 2. Also called: Charcot-Marie-Tooth type 2. Identifiers: Orphanet 64746, MedGen C0270914, MONDO:0018993.

Allele frequency attached by ClinVar (database versions not stated): gnomAD 0.00707 and 0.00652; ExAC 0.00206; ESP Exome Variant Server 0.00738; 1000 Genomes Project 30x 0.00765; 1000 Genomes Project 0.00699; gnomAD exomes 0.00066 and 0.00169; TOPMed 0.00737.
gnomAD v4.1: 1,989 of 1,614,104 alleles (0.12%); highest among the groups gnomAD compares: African/African-American, 2.3%; 18 homozygotes.

Submissions (4):

Labcorp Genetics (formerly Invitae), Labcorp
Classification: Benign for Charcot-Marie-Tooth disease type 2. Last evaluated: 2026-02-02. Review status: criteria provided, single submitter. Criteria: Invitae Variant Classification Sherloc (09022015). Collection method: clinical testing. Allele origin: germline.

GeneDx
Classification: Benign. Last evaluated: 2014-06-16. Review status: criteria provided, single submitter. Criteria: GeneDx Variant Classification (06012015). Collection method: clinical testing. Allele origin: germline. Affected: yes.
Comment: This variant is considered likely benign or benign based on one or more of the following criteria: it is a conservative change, it occurs at a poorly conserved position in the protein, it is predicted to be benign by multiple in silico algorithms, and/or has population frequency not consistent with disease.

Breakthrough Genomics
Classification: Benign. Review status: criteria provided, single submitter. Criteria: ACMG Guidelines, 2015. Collection method: not provided. Allele origin: germline. Inheritance: Autosomal recessive inheritance. Affected: yes.

Molecular Genetics Laboratory, London Health Sciences Centre
Classification: Benign for Charcot-Marie-Tooth disease. Review status: criteria provided, single submitter. Criteria: ACMG Guidelines, 2015. Collection method: clinical testing. Allele origin: germline. Affected: yes.